The following is an entry in ClinVar:

Single allele

Genes: ATP5ME (ATP synthase membrane subunit e; minus strand), CPLX1 (complexin 1; minus strand), CRIPAK (cysteine rich PAK1 inhibitor; plus strand), CTBP1 (C-terminal binding protein 1; minus strand), DGKQ (diacylglycerol kinase theta; minus strand) and 20 more. Cytogenetic location: 4p16.3.
Variant type: Duplication.
Identifiers: ClinVar variation 560032 (VCV000560032.3).

ClinVar aggregate classification (germline): Uncertain significance (1 of 4 stars; one submission).

Submission:

Geisinger Autism and Developmental Medicine Institute, Geisinger Health System
Classification: Uncertain significance. Last evaluated: 2018-03-19. Review status: criteria provided, single submitter. Criteria: ACMG CNV Guidelines, 2011. Collection method: provider interpretation. Allele origin: unknown.
Comment: Parental testing was not completed. No facial dysmorphisms were noted.